The following is an entry in ClinVar:

NM_000268.4(NF2):c.82A>G (p.Thr28Ala)

Gene: NF2 (NF2, moesin-ezrin-radixin like (MERLIN) tumor suppressor; plus strand). Cytogenetic location: 22q12.2.
Variant type: single nucleotide variant.
Coding change: c.82A>G on transcript NM_000268.4 (MANE Select); coding-DNA position 82, A replaced by G.
Protein change: p.Thr28Ala; replaces threonine 28 with alanine.
Molecular consequence: missense variant. On other transcripts: 5 prime UTR variant (4), non-coding transcript variant (1).
Genome position (GRCh38, 1-based): chr22:29,604,080, A>G. VCF-style: chr22-29604080-A-G. GRCh37 (hg19) VCF-style: chr22-30000069-A-G.
Other names: c.-149A>G (NM_001407053.1, NM_001407056.1); c.82A>G, p.Thr28Ala (NM_001407054.1, NM_001407055.1, NM_001407057.1 and 15 more transcripts); c.-559A>G (NM_001407065.1); c.-175A>G (NM_001407067.1); short protein forms T28A.
Identifiers: ClinVar variation 2811083 (VCV002811083.3), dbSNP rs2518227586, ClinGen allele CA411146145.

ClinVar aggregate classification (germline): Uncertain significance (1 of 4 stars; one submission).

Conditions:
Neurofibromatosis, type 2 (SWNV). Also called: BILATERAL ACOUSTIC NEUROFIBROMATOSIS; NF2-Related Schwannomatosis; SCHWANNOMATOSIS, VESTIBULAR. Identifiers: Orphanet 637, MedGen C0027832, MONDO:0007039, OMIM 101000. Disease mechanism: loss of function.

Submission:

Labcorp Genetics (formerly Invitae), Labcorp
Classification: Uncertain significance for Neurofibromatosis, type 2. Last evaluated: 2022-10-31. Review status: criteria provided, single submitter. Criteria: Invitae Variant Classification Sherloc (09022015). Collection method: clinical testing. Allele origin: germline.
Comment: This sequence change replaces threonine, which is neutral and polar, with alanine, which is neutral and non-polar, at codon 28 of the NF2 protein (p.Thr28Ala). This variant is not present in population databases (gnomAD no frequency). This variant has not been reported in the literature in individuals affected with NF2-related conditions. Advanced modeling of protein sequence and biophysical properties (such as structural, functional, and spatial information, amino acid conservation, physicochemical variation, residue mobility, and thermodynamic stability) performed at Invitae indicates that this missense variant is expected to disrupt NF2 protein function. In summary, the available evidence is currently insufficient to determine the role of this variant in disease. Therefore, it has been classified as a Variant of Uncertain Significance.